The following is an entry in ClinVar:

NM_017570.5(OPLAH):c.1199G>A (p.Arg400His)

Gene: OPLAH (5-oxoprolinase, ATP-hydrolysing; minus strand). Cytogenetic location: 8q24.3.
Variant type: single nucleotide variant.
Coding change: c.1199G>A on transcript NM_017570.5 (MANE Select); coding-DNA position 1199, G replaced by A.
Protein change: p.Arg400His; replaces arginine 400 with histidine.
Molecular consequence: missense variant.
Genome position (GRCh38, 1-based): chr8:144,057,671, C>T on the plus strand (G>A on the coding strand, the complement: OPLAH is on the minus strand). VCF-style: chr8-144057671-C-T. GRCh37 (hg19) VCF-style: chr8-145112574-C-T.
Other names: c.1199G>A (NM_017570.3); short protein forms R400H.
Identifiers: ClinVar variation 2056497 (VCV002056497.4), dbSNP rs186075358, ClinGen allele CA4931949.

ClinVar aggregate classification (germline): Uncertain significance. Review status: criteria provided, multiple submitters, no conflicts (2 of 4 stars). 2 submissions from 2 submitters: Uncertain significance (2). Last evaluated 2025-02-11.

Conditions:
5-Oxoprolinase deficiency (OPLAHD). Also called: 5-OXOPROLINURIA DUE TO 5-OXOPROLINASE DEFICIENCY. Identifiers: Orphanet 33572, MedGen C0268525, MONDO:0009825, OMIM 260005, HP:0040142.

Allele frequency attached by ClinVar (database versions not stated): 1000 Genomes Project 30x 0.00016; ESP Exome Variant Server 0.00016; 1000 Genomes Project 0.00020; gnomAD 0.00023; ExAC 0.00027; TOPMed 0.00030.

Submissions (2):

Ambry Genetics
Classification: Uncertain significance. Last evaluated: 2025-02-11. Review status: criteria provided, single submitter. Criteria: Ambry Variant Classification Scheme 2023. Collection method: clinical testing. Allele origin: germline.

Labcorp Genetics (formerly Invitae), Labcorp
Classification: Uncertain significance for 5-Oxoprolinase deficiency. Last evaluated: 2022-04-10. Review status: criteria provided, single submitter. Criteria: Invitae Variant Classification Sherloc (09022015). Collection method: clinical testing. Allele origin: germline.
Comment: This sequence change replaces arginine, which is basic and polar, with histidine, which is basic and polar, at codon 400 of the OPLAH protein (p.Arg400His). This variant is present in population databases (rs186075358, gnomAD 0.1%). This variant has not been reported in the literature in individuals affected with OPLAH-related conditions. Algorithms developed to predict the effect of missense changes on protein structure and function are either unavailable or do not agree on the potential impact of this missense change (SIFT: "Not Available"; PolyPhen-2: "Probably Damaging"; Align-GVGD: "Not Available"). In summary, the available evidence is currently insufficient to determine the role of this variant in disease. Therefore, it has been classified as a Variant of Uncertain Significance.